The following is an entry in ClinVar:

NM_016151.4(TAOK2):c.1844G>A (p.Arg615Gln)

Gene: TAOK2 (TAO kinase 2; plus strand). Cytogenetic location: 16p11.2.
Variant type: single nucleotide variant.
Coding change: c.1844G>A on transcript NM_016151.4 (MANE Select); coding-DNA position 1844, G replaced by A.
Protein change: p.Arg615Gln; replaces arginine 615 with glutamine.
Molecular consequence: missense variant.
Genome position (GRCh38, 1-based): chr16:29,985,713, G>A. VCF-style: chr16-29985713-G-A. GRCh37 (hg19) VCF-style: chr16-29997034-G-A.
Other names: c.1844G>A, p.Arg615Gln (NM_001252043.2, NM_004783.4); short protein forms R615Q.
Identifiers: ClinVar variation 1463059 (VCV001463059.6), dbSNP rs752773455, ClinGen allele CA7998235.

ClinVar aggregate classification (germline): Uncertain significance (1 of 4 stars; one submission).

Allele frequency attached by ClinVar (database versions not stated): gnomAD 0.00001; gnomAD exomes 0.00001; TOPMed 0.00001; ExAC 0.00003.
gnomAD v4.1: 18 of 1,607,768 alleles (0.0011%); highest among the groups gnomAD compares: East Asian, 0.0022%; no homozygotes.

Submission:

Labcorp Genetics (formerly Invitae), Labcorp
Classification: Uncertain significance. Last evaluated: 2024-10-28. Review status: criteria provided, single submitter. Criteria: Invitae Variant Classification Sherloc (09022015). Collection method: clinical testing. Allele origin: germline.
Comment: This sequence change replaces arginine, which is basic and polar, with glutamine, which is neutral and polar, at codon 615 of the TAOK2 protein (p.Arg615Gln). This variant is present in population databases (rs752773455, gnomAD 0.006%). This variant has not been reported in the literature in individuals affected with TAOK2-related conditions. ClinVar contains an entry for this variant (Variation ID: 1463059). An algorithm developed to predict the effect of missense changes on protein structure and function (PolyPhen-2) suggests that this variant is likely to be tolerated. In summary, the available evidence is currently insufficient to determine the role of this variant in disease. Therefore, it has been classified as a Variant of Uncertain Significance.